The following is an entry in ClinVar:

ClinVar aggregate classification (germline): Benign/Likely benign. Review status: criteria provided, multiple submitters, no conflicts (2 of 4 stars). 7 submissions from 7 submitters: Benign (1); Likely benign (3). 3 of the submissions do not count toward it. Last evaluated 2026-05-21.

Conditions:
Neurofibromatosis, type 1 (NF1). Also called: NEUROFIBROMATOSIS, TYPE I, SOMATIC; Neurofibromatosis, type I; VON RECKLINGHAUSEN DISEASE; Peripheral type neurofibromatosis. Identifiers: Orphanet 636, MedGen C0027831, MONDO:0018975, OMIM 162200. Disease mechanism: loss of function.
Hereditary cancer-predisposing syndrome. Also called: Hereditary neoplastic syndrome; Neoplastic Syndromes, Hereditary; Hereditary Cancer Syndrome; Tumor predisposition. Identifiers: Orphanet 140162, MedGen C0027672, MeSH D009386, MONDO:0015356.

Allele frequency attached by ClinVar (database versions not stated): gnomAD exomes 0.00001; gnomAD 0.00001; TOPMed below 0.00001.
gnomAD v4.1: 10 of 1,613,298 alleles (0.00062%); highest among the groups gnomAD compares: Non-Finnish European, 0.00085%; no homozygotes.

Submissions (7):

Myriad Genetics, Inc.
Classification: Benign for Neurofibromatosis, type 1. Last evaluated: 2026-05-21. Review status: criteria provided, single submitter. Criteria: Myriad Autosomal Dominant, Autosomal Recessive and X-Linked Classification Criteria (2023). Collection method: clinical testing. Allele origin: unknown.
Comment: This variant is considered benign. This variant is a silent/synonymous amino acid change and it is not expected to impact splicing.

Labcorp Genetics (formerly Invitae), Labcorp
Classification: Likely benign for Neurofibromatosis, type 1. Last evaluated: 2025-08-28. Review status: criteria provided, single submitter. Criteria: Invitae Variant Classification Sherloc (09022015). Collection method: clinical testing. Allele origin: germline.

Genome-Nilou Lab
Classification: Likely benign for Neurofibromatosis, type 1. Last evaluated: 2022-03-15. Review status: criteria provided, single submitter. Criteria: ACMG Guidelines, 2015. Collection method: clinical testing. Allele origin: germline. Affected: no.

Ambry Genetics
Classification: Likely benign for Hereditary cancer-predisposing syndrome. Last evaluated: 2015-09-16. Review status: criteria provided, single submitter. Criteria: Ambry Autosomal Dominant and X-Linked criteria (10/2015). Collection method: clinical testing. Allele origin: germline. Observed: 1 variant allele.
Comment: Synonymous alterations with insufficient evidence to classify as benign

Clinical Genetics DNA and cytogenetics Diagnostics Lab, Erasmus MC, Erasmus Medical Center
Classification: Benign. Review status: no assertion criteria provided. Collection method: clinical testing. Allele origin: germline. Affected: yes. Study: VKGL Data-share Consensus. Not counted in ClinVar's aggregate classification.

Genome Diagnostics Laboratory, Amsterdam University Medical Center
Classification: Likely benign. Review status: no assertion criteria provided. Collection method: clinical testing. Allele origin: germline. Affected: yes. Study: VKGL Data-share Consensus. Not counted in ClinVar's aggregate classification.

Genome Diagnostics Laboratory, University Medical Center Utrecht
Classification: Likely benign. Review status: no assertion criteria provided. Collection method: clinical testing. Allele origin: germline. Affected: yes. Study: VKGL Data-share Consensus. Not counted in ClinVar's aggregate classification.

NM_001042492.3(NF1):c.7623G>A (p.Arg2541=)

Gene: NF1 (neurofibromin 1; plus strand). Cytogenetic location: 17q11.2.
Variant type: single nucleotide variant.
Coding change: c.7623G>A on transcript NM_001042492.3 (MANE Select); coding-DNA position 7623, G replaced by A.
Protein change: p.Arg2541=; no amino-acid change (arginine 2541 retained).
Molecular consequence: synonymous variant.
Genome position (GRCh38, 1-based): chr17:31,356,467, G>A. VCF-style: chr17-31356467-G-A. GRCh37 (hg19) VCF-style: chr17-29683485-G-A.
Other names: c.7560G>A, p.Arg2520= (NM_000267.4).
Identifiers: ClinVar variation 233929 (VCV000233929.19), dbSNP rs876660737, ClinGen allele CA10580415.